The following is an entry in ClinVar:

ClinVar aggregate classification (germline): Pathogenic (1 of 4 stars; one submission).

Submission:

ISCA Site 6
Classification: Pathogenic. Last evaluated: 2011-08-12. Review status: criteria provided, single submitter. Criteria: Kaminsky et al. (Genet Med. 2011). Collection method: clinical testing. Allele origin: de novo. Affected: yes. Observed: 1 variant allele.
Comment: Copy number variation identified through the course of routine clinical cytogenomic testing in postnatal populations. Clinical assertions have been curated as described in Kaminsky et al. 2011.

GRCh38/hg38 6p25.3-24.3(chr6:165675-9036034)x1

Genes: BLOC1S5 (biogenesis of lysosomal organelles complex 1 subunit 5; minus strand), BLOC1S5-TXNDC5 (BLOC1S5-TXNDC5 readthrough (NMD candidate); minus strand), BMP6 (bone morphogenetic protein 6; plus strand), BPHL (biphenyl hydrolase like; plus strand), C6orf201 (chromosome 6 open reading frame 201; plus strand) and 429 more. Cytogenetic location: 6p25.3-24.3.
Variant type: copy number loss.
Change: copy number 1 (one copy instead of two) of chr6:165,675-9,036,034 (8.87 Mb, GRCh38 coordinates, 1-based), cytogenetic band 6p25.3-24.3.
Identifiers: ClinVar variation 58411 (VCV000058411.2).